The following is an entry in ClinVar:

NM_000878.5(IL2RB):c.1139T>C (p.Val380Ala)

Gene: IL2RB (interleukin 2 receptor subunit beta; minus strand). Cytogenetic location: 22q12.3.
Variant type: single nucleotide variant.
Coding change: c.1139T>C on transcript NM_000878.5 (MANE Select); coding-DNA position 1139, T replaced by C.
Protein change: p.Val380Ala; replaces valine 380 with alanine.
Molecular consequence: missense variant.
Genome position (GRCh38, 1-based): chr22:37,128,613, A>G on the plus strand (T>C on the coding strand, the complement: IL2RB is on the minus strand). VCF-style: chr22-37128613-A-G. GRCh37 (hg19) VCF-style: chr22-37524653-A-G.
Other names: c.1139T>C, p.Val380Ala (NM_001346222.1, NM_001346223.2); short protein forms V380A.
Identifiers: ClinVar variation 1365012 (VCV001365012.6), dbSNP rs1233925212, ClinGen allele CA411425170.

ClinVar aggregate classification (germline): Uncertain significance (1 of 4 stars; one submission).

Allele frequency attached by ClinVar (database versions not stated): gnomAD exomes below 0.00001; TOPMed 0.00001; gnomAD 0.00002.

Submission:

Labcorp Genetics (formerly Invitae), Labcorp
Classification: Uncertain significance. Last evaluated: 2022-06-13. Review status: criteria provided, single submitter. Criteria: Invitae Variant Classification Sherloc (09022015). Collection method: clinical testing. Allele origin: germline.
Comment: This sequence change replaces valine, which is neutral and non-polar, with alanine, which is neutral and non-polar, at codon 380 of the IL2RB protein (p.Val380Ala). This variant is present in population databases (no rsID available, gnomAD 0.01%). In summary, the available evidence is currently insufficient to determine the role of this variant in disease. Therefore, it has been classified as a Variant of Uncertain Significance. Algorithms developed to predict the effect of missense changes on protein structure and function are either unavailable or do not agree on the potential impact of this missense change (SIFT: "Tolerated"; PolyPhen-2: "Possibly Damaging"; Align-GVGD: "Class C0"). This variant has not been reported in the literature in individuals affected with IL2RB-related conditions.